The following is an entry in ClinVar:

NM_000321.3(RB1):c.2581A>T (p.Arg861Ter)

Gene: RB1 (RB transcriptional corepressor 1; plus strand). Cytogenetic location: 13q14.2.
Variant type: single nucleotide variant.
Coding change: c.2581A>T on transcript NM_000321.3 (MANE Select); coding-DNA position 2581, A replaced by T.
Protein change: p.Arg861Ter; replaces arginine 861 with a stop codon.
Molecular consequence: nonsense.
Genome position (GRCh38, 1-based): chr13:48,476,761, A>T. VCF-style: chr13-48476761-A-T. GRCh37 (hg19) VCF-style: chr13-49050897-A-T.
Other names: c.2581A>T, p.Arg861Ter (NM_001407165.1); c.31A>T, p.Arg11Ter (NM_001407168.1); short protein forms R11*, R861*.
Identifiers: ClinVar variation 4729211 (VCV004729211.1).

ClinVar aggregate classification (germline): Pathogenic (1 of 4 stars; one submission).

Conditions:
Retinoblastoma (RB1). Also called: RETINOBLASTOMA, SOMATIC. Identifiers: Orphanet 790, MedGen C0035335, MeSH D012175, MONDO:0008380, OMIM 180200, HP:0009919. Disease mechanism: loss of function. Inheritance: Both sporadic and heritable forms are tested..

Submission:

Labcorp Genetics (formerly Invitae), Labcorp
Classification: Pathogenic for Retinoblastoma. Last evaluated: 2025-10-14. Review status: criteria provided, single submitter. Criteria: Invitae Variant Classification Sherloc (09022015). Collection method: clinical testing. Allele origin: germline.
Comment: This sequence change creates a premature translational stop signal (p.Arg861*) in the RB1 gene. It is expected to result in an absent or disrupted protein product. Loss-of-function variants in RB1 are known to be pathogenic (PMID: 17096365). This variant is not present in population databases (gnomAD no frequency). This variant has not been reported in the literature in individuals affected with RB1-related conditions. For these reasons, this variant has been classified as Pathogenic.

Literature cited by the submitters: PubMed 17096365.